The following is an entry in ClinVar:

NM_001111067.4(ACVR1):c.1014G>T (p.Lys338Asn)

Gene: ACVR1 (activin A receptor type 1; minus strand). Cytogenetic location: 2q24.1.
Variant type: single nucleotide variant.
Coding change: c.1014G>T on transcript NM_001111067.4 (MANE Select); coding-DNA position 1014, G replaced by T.
Protein change: p.Lys338Asn; replaces lysine 338 with asparagine.
Molecular consequence: missense variant.
Genome position (GRCh38, 1-based): chr2:157,765,973, C>A on the plus strand (G>T on the coding strand, the complement: ACVR1 is on the minus strand). VCF-style: chr2-157765973-C-A. GRCh37 (hg19) VCF-style: chr2-158622485-C-A.
Other names: c.1014G>T, p.Lys338Asn (NM_001347663.1, NM_001347664.1, NM_001347665.1 and 3 more transcripts); short protein forms K338N.
Identifiers: ClinVar variation 2824847 (VCV002824847.3), dbSNP rs2467932312, ClinGen allele CA349189999.
Genomic context (GRCh38, chr2:157,765,973, plus strand): 5'-AAATTTACCCAAATCTGCTATGCAACACTGTCCATTCTTCTTAACCAGAATATTTTTGCT[C>A]TTTAAATCTCGATGGGCAATGGCTGGTTTCCCTTGGGTCCCAAATATCTCTATGTGCAAA-3'
Protein context (NP_001104537.1, residues 328-348): GKPAIAHRDL[Lys338Asn]SKNILVKKNG

ClinVar aggregate classification (germline): Uncertain significance (1 of 4 stars; one submission).

Submission:

Labcorp Genetics (formerly Invitae), Labcorp
Classification: Uncertain significance. Last evaluated: 2022-12-30. Review status: criteria provided, single submitter. Criteria: Invitae Variant Classification Sherloc (09022015). Collection method: clinical testing. Allele origin: germline.
Comment: This sequence change replaces lysine, which is basic and polar, with asparagine, which is neutral and polar, at codon 338 of the ACVR1 protein (p.Lys338Asn). This variant is not present in population databases (gnomAD no frequency). This variant has not been reported in the literature in individuals affected with ACVR1-related conditions. Algorithms developed to predict the effect of missense changes on protein structure and function (SIFT, PolyPhen-2, Align-GVGD) all suggest that this variant is likely to be disruptive. In summary, the available evidence is currently insufficient to determine the role of this variant in disease. Therefore, it has been classified as a Variant of Uncertain Significance.